The following is an entry in ClinVar:

NM_000202.8(IDS):c.922G>A (p.Asp308Asn)

Genes: IDS (iduronate 2-sulfatase; minus strand), LOC106050102 (IDS recombination region; plus strand). Cytogenetic location: Xq28.
Variant type: single nucleotide variant.
Coding change: c.922G>A on transcript NM_000202.8 (MANE Select); coding-DNA position 922, G replaced by A.
Protein change: p.Asp308Asn; replaces aspartic acid 308 with asparagine.
Molecular consequence: missense variant. On other transcripts: non-coding transcript variant (1).
Genome position (GRCh38, 1-based): chrX:149,490,398, C>T on the plus strand (G>A on the coding strand, the complement: IDS is on the minus strand). VCF-style: chrX-149490398-C-T. GRCh37 (hg19) VCF-style: chrX-148571929-C-T.
Other names: c.652G>A, p.Asp218Asn (NM_001166550.4); c.922G>A, p.Asp308Asn (NM_006123.5); short protein forms D218N, D308N.
Identifiers: ClinVar variation 3255880 (VCV003255880.2).
Genomic context (GRCh38, chrX:149,490,398, plus strand): 5'-TGGTGCTGTTGGCCAGCTGAAGATCGTCCAAAGCACTCAAGAGGCGGCCGACCTGTGTAT[C>T]CAAATATGACACAGAGGCAAAGTAGCTCTGGCGGATTTTCCGCTGCAAATTGAAAAAAAA-3'
Protein context (NP_000193.1, residues 298-318): QSYFASVSYL[Asp308Asn]TQVGRLLSAL

ClinVar aggregate classification (germline): Pathogenic (1 of 4 stars; one submission).

Conditions:
Mucopolysaccharidosis, MPS-II (MPS2). Also called: Hunter Syndrome; IDURONATE 2-SULFATASE DEFICIENCY; Mucopolysaccharidosis Type II; Mucopolysaccharidosis type 2; Attenuated MPS (subtype; formerly known as mild MPS II); Severe MPS II. Identifiers: Orphanet 580, Orphanet 79388, MedGen C0026705, MONDO:0010674, OMIM 309900.

Submission:

Laboratory of Diagnosis and Therapy of Lysosomal Disorders, University of Padova
Classification: Pathogenic for Mucopolysaccharidosis, MPS-II. Last evaluated: 2024-06-07. Review status: criteria provided, single submitter. Criteria: ACMG Guidelines, 2015. Collection method: literature only. Allele origin: germline. Affected: yes. Observed: 3 variant alleles.
Comment: De novo (PS2_Moderate), Absent from controls (or at low frequency) in gnomAD database (PM2_Moderate), Missense variant in a gene with a low rate of benign missense variation (PP2_Supporting), Multiple lines of computational evidence support a deleterious effect (PP3_Supporting), Patient’s phenotype or family history highly specific for the disease (PP4_Strong)

Classification method: ACMG Guidelines [PMID:25741868] with modifications

Literature cited by the submitters: PubMed 35005816; PubMed 9501270; PubMed 16133661.